The following is an entry in ClinVar:

NM_001277115.2(DNAH11):c.9228del (p.Glu3076fs)

Gene: DNAH11 (dynein axonemal heavy chain 11; plus strand). Cytogenetic location: 7p15.3.
Variant type: Deletion.
Coding change: c.9228del on transcript NM_001277115.2 (MANE Select); coding-DNA position 9228, one base deleted (A; older notation c.9228delA).
Protein change: p.Glu3076fs; shifts the reading frame from glutamic acid 3076.
Molecular consequence: frameshift variant.
Genome position (GRCh38, 1-based): chr7:21,773,891, A deleted; the last of 2 consecutive A bases (chr7:21,773,890-21,773,891); deleting either gives the same sequence. VCF-style (leftmost placement, unchanged base first): chr7-21773889-GA-G. GRCh37 (hg19) VCF-style: chr7-21813507-GA-G.
Other names: c.9249delA, p.Glu3083Aspfs (NM_003777.3); short protein forms E3076fs.
Identifiers: ClinVar variation 2454172 (VCV002454172.2), dbSNP rs2535218090, ClinGen allele CA2580076926.

ClinVar aggregate classification (germline): Pathogenic (1 of 4 stars; one submission).

Conditions:
Primary ciliary dyskinesia. Also called: Ciliary dyskinesia. Identifiers: Orphanet 244, MedGen C0008780, MONDO:0016575, HP:0012265.

Submission:

Ambry Genetics
Classification: Pathogenic for Primary ciliary dyskinesia. Last evaluated: 2022-11-23. Review status: criteria provided, single submitter. Criteria: Ambry Variant Classification Scheme 2023. Collection method: clinical testing. Allele origin: germline.
Comment: The c.9228delA pathogenic mutation, located in coding exon 56 of the DNAH11 gene, results from a deletion of one nucleotide at nucleotide position 9228, causing a translational frameshift with a predicted alternate stop codon (p.E3076Dfs*10). This variant is considered to be rare based on population cohorts in the Genome Aggregation Database (gnomAD). This alteration is expected to result in loss of function by premature protein truncation or nonsense-mediated mRNA decay. As such, this alteration is interpreted as a disease-causing mutation.